The following is an entry in ClinVar:

ClinVar aggregate classification (germline): Uncertain significance. Review status: criteria provided, multiple submitters, no conflicts (2 of 4 stars). 2 submissions from 2 submitters: Uncertain significance (2). Last evaluated 2025-01-02.

Conditions:
Autoinflammatory syndrome, familial, Behcet-like 1 (AIFBL1). Also called: Haploinsufficiency of A20. Identifiers: Orphanet 674762, MedGen C4225218, MONDO:0800045, OMIM 616744.

Allele frequency attached by ClinVar (database versions not stated): ExAC 0.00003; gnomAD 0.00003; TOPMed 0.00003; 1000 Genomes Project 30x 0.00016; 1000 Genomes Project 0.00020.

Submissions (2):

Labcorp Genetics (formerly Invitae), Labcorp
Classification: Uncertain significance. Last evaluated: 2025-01-02. Review status: criteria provided, single submitter. Criteria: Invitae Variant Classification Sherloc (09022015). Collection method: clinical testing. Allele origin: germline.
Comment: This sequence change replaces alanine, which is neutral and non-polar, with threonine, which is neutral and polar, at codon 717 of the TNFAIP3 protein (p.Ala717Thr). This variant is present in population databases (rs561168863, gnomAD 0.03%). This variant has not been reported in the literature in individuals affected with TNFAIP3-related conditions. ClinVar contains an entry for this variant (Variation ID: 2418110). An algorithm developed to predict the effect of missense changes on protein structure and function outputs the following: PolyPhen-2: "Benign". The threonine amino acid residue is found in multiple mammalian species, which suggests that this missense change does not adversely affect protein function. In summary, the available evidence is currently insufficient to determine the role of this variant in disease. Therefore, it has been classified as a Variant of Uncertain Significance.

ARUP Laboratories, Molecular Genetics and Genomics, ARUP Laboratories
Classification: Uncertain significance for Autoinflammatory syndrome, familial, Behcet-like 1. Last evaluated: 2023-02-24. Review status: criteria provided, single submitter. Criteria: ARUP Molecular Germline Variant Investigation Process 2024. Collection method: clinical testing. Allele origin: germline.
Comment: The TNFAIP3 c.2149G>A; p.Ala717Thr variant (rs561168863), to our knowledge, is not reported in the medical literature but is reported in ClinVar (Variation ID: 2418110). This variant is found in the general population with an overall allele frequency of 0.0053% (15/282412 alleles) in the Genome Aggregation Database. Computational analyses predict that this variant is neutral (REVEL: 0.015). Due to limited information, the clinical significance of this variant is uncertain at this time.

NM_001270508.2(TNFAIP3):c.2149G>A (p.Ala717Thr)

Gene: TNFAIP3 (TNF alpha induced protein 3; plus strand). Cytogenetic location: 6q23.3.
Variant type: single nucleotide variant.
Coding change: c.2149G>A on transcript NM_001270508.2 (MANE Select); coding-DNA position 2149, G replaced by A.
Protein change: p.Ala717Thr; replaces alanine 717 with threonine.
Molecular consequence: missense variant.
Genome position (GRCh38, 1-based): chr6:137,881,095, G>A. VCF-style: chr6-137881095-G-A. GRCh37 (hg19) VCF-style: chr6-138202232-G-A.
Other names: c.2149G>A, p.Ala717Thr (NM_001270507.2, NM_006290.4); short protein forms A717T.
Identifiers: ClinVar variation 2418110 (VCV002418110.6), dbSNP rs561168863, ClinGen allele CA4019810.